The following is an entry in ClinVar:

NM_001256545.2(MEGF10):c.1727G>T (p.Arg576Leu)

Gene: MEGF10 (multiple EGF like domains 10; plus strand). Cytogenetic location: 5q23.2.
Variant type: single nucleotide variant.
Coding change: c.1727G>T on transcript NM_001256545.2 (MANE Select); coding-DNA position 1727, G replaced by T.
Protein change: p.Arg576Leu; replaces arginine 576 with leucine.
Molecular consequence: missense variant.
Genome position (GRCh38, 1-based): chr5:127,433,396, G>T. VCF-style: chr5-127433396-G-T. GRCh37 (hg19) VCF-style: chr5-126769088-G-T.
Other names: c.1727G>T, p.Arg576Leu (NM_032446.3); short protein forms R576L.
Identifiers: ClinVar variation 837912 (VCV000837912.7), dbSNP rs201832505, ClinGen allele CA3391708.

ClinVar aggregate classification (germline): Uncertain significance. Review status: criteria provided, multiple submitters, no conflicts (2 of 4 stars). 2 submissions from 2 submitters: Uncertain significance (2). Last evaluated 2023-12-16.

Conditions:
Inborn genetic diseases. Identifiers: MedGen C0950123, MeSH D030342.
MEGF10-related myopathy (CMYO10A). Also called: Congenital myopathy 10A, severe variant. Identifiers: Orphanet 439212, MedGen C3280679, MONDO:0013731, OMIM 614399.

Allele frequency attached by ClinVar (database versions not stated): TOPMed 0.00010; ESP Exome Variant Server 0.00015.
gnomAD v4.1: 141 of 1,613,998 alleles (0.0087%); highest among the groups gnomAD compares: Admixed American, 0.015%; no homozygotes.

Submissions (2):

Ambry Genetics
Classification: Uncertain significance for Inborn genetic diseases. Last evaluated: 2023-12-16. Review status: criteria provided, single submitter. Criteria: Ambry Variant Classification Scheme 2023. Collection method: clinical testing. Allele origin: germline.

Labcorp Genetics (formerly Invitae), Labcorp
Classification: Uncertain significance for MEGF10-related myopathy. Last evaluated: 2023-10-04. Review status: criteria provided, single submitter. Criteria: Invitae Variant Classification Sherloc (09022015). Collection method: clinical testing. Allele origin: germline.
Comment: This sequence change replaces arginine, which is basic and polar, with leucine, which is neutral and non-polar, at codon 576 of the MEGF10 protein (p.Arg576Leu). This variant is present in population databases (rs201832505, gnomAD 0.02%). This variant has not been reported in the literature in individuals affected with MEGF10-related conditions. ClinVar contains an entry for this variant (Variation ID: 837912). Advanced modeling of protein sequence and biophysical properties (such as structural, functional, and spatial information, amino acid conservation, physicochemical variation, residue mobility, and thermodynamic stability) performed at Invitae indicates that this missense variant is not expected to disrupt MEGF10 protein function. In summary, the available evidence is currently insufficient to determine the role of this variant in disease. Therefore, it has been classified as a Variant of Uncertain Significance.